The following is an entry in ClinVar:

ClinVar aggregate classification (germline): Uncertain significance (1 of 4 stars; one submission).

Allele frequency attached by ClinVar (database versions not stated): gnomAD 0.00001; TOPMed 0.00001; gnomAD exomes 0.00003.
gnomAD v4.1: 46 of 1,605,276 alleles (0.0029%); highest among the groups gnomAD compares: Non-Finnish European, 0.0034%; no homozygotes.

Submission:

Labcorp Genetics (formerly Invitae), Labcorp
Classification: Uncertain significance. Last evaluated: 2021-09-03. Review status: criteria provided, single submitter. Criteria: Invitae Variant Classification Sherloc (09022015). Collection method: clinical testing. Allele origin: germline.
Comment: This variant has not been reported in the literature in individuals affected with VPS33A-related conditions. In summary, the available evidence is currently insufficient to determine the role of this variant in disease. Therefore, it has been classified as a Variant of Uncertain Significance. Algorithms developed to predict the effect of sequence changes on RNA splicing suggest that this variant may create or strengthen a splice site. Algorithms developed to predict the effect of missense changes on protein structure and function (SIFT, PolyPhen-2, Align-GVGD) all suggest that this variant is likely to be tolerated. This variant is not present in population databases (ExAC no frequency). This sequence change replaces isoleucine with valine at codon 485 of the VPS33A protein (p.Ile485Val). The isoleucine residue is highly conserved and there is a small physicochemical difference between isoleucine and valine.

NM_022916.6(VPS33A):c.1453A>G (p.Ile485Val)

Gene: VPS33A (VPS33A core subunit of CORVET and HOPS complexes; minus strand). Cytogenetic location: 12q24.31.
Variant type: single nucleotide variant.
Coding change: c.1453A>G on transcript NM_022916.6 (MANE Select); coding-DNA position 1453, A replaced by G.
Protein change: p.Ile485Val; replaces isoleucine 485 with valine.
Molecular consequence: missense variant.
Genome position (GRCh38, 1-based): chr12:122,232,956, T>C on the plus strand (A>G on the coding strand, the complement: VPS33A is on the minus strand). VCF-style: chr12-122232956-T-C. GRCh37 (hg19) VCF-style: chr12-122717503-T-C.
Other names: c.1420A>G, p.Ile474Val (NM_001351018.2); c.1405A>G, p.Ile469Val (NM_001351019.2); c.1132A>G, p.Ile378Val (NM_001351020.2); short protein forms I378V, I474V, I485V, I469V.
Identifiers: ClinVar variation 1371343 (VCV001371343.4), dbSNP rs757091429, ClinGen allele CA244729125.